The following is an entry in ClinVar:

NM_000159.4(GCDH):c.910G>A (p.Ala304Thr)

Gene: GCDH (glutaryl-CoA dehydrogenase; plus strand). Cytogenetic location: 19p13.13.
Variant type: single nucleotide variant.
Coding change: c.910G>A on transcript NM_000159.4 (MANE Select); coding-DNA position 910, G replaced by A.
Protein change: p.Ala304Thr; replaces alanine 304 with threonine.
Molecular consequence: missense variant. On other transcripts: non-coding transcript variant (2).
Genome position (GRCh38, 1-based): chr19:12,896,967, G>A. VCF-style: chr19-12896967-G-A. GRCh37 (hg19) VCF-style: chr19-13007781-G-A.
Other names: c.910G>A, p.Ala304Thr (NM_013976.5); short protein forms A304T.
Identifiers: ClinVar variation 554907 (VCV000554907.13), dbSNP rs373203481, ClinGen allele CA9234545.

ClinVar aggregate classification (germline): Conflicting classifications of pathogenicity. Review status: criteria provided, conflicting classifications (1 of 4 stars). 4 submissions from 4 submitters: Likely pathogenic (1); Uncertain significance (2). 1 of the submissions does not count toward it. Last evaluated 2024-11-15.

Conditions:
Glutaric aciduria, type 1. Also called: Glutaric Acidemia Type 1; Glutaricacidemia Type 1; GA I; Glutaryl-CoA dehydrogenase deficiency; Glutaric acidemia type I; Glutaricaciduria, type I. Identifiers: Orphanet 25, MedGen C0268595, MONDO:0009281, OMIM 231670.

Allele frequency attached by ClinVar (database versions not stated): gnomAD exomes below 0.00001; ExAC 0.00001; gnomAD 0.00001; TOPMed 0.00001; ESP Exome Variant Server 0.00008.
gnomAD v4.1: 2 of 1,613,024 alleles (0.00012%); highest among the groups gnomAD compares: African/African-American, 0.0027%; no homozygotes.

Submissions (4):

Women's Health and Genetics/Laboratory Corporation of America, LabCorp
Classification: Uncertain significance. Last evaluated: 2024-11-15. Review status: criteria provided, single submitter. Criteria: LabCorp Variant Classification Summary - May 2015. Collection method: clinical testing. Allele origin: germline.
Comment: Variant summary: GCDH c.910G>A (p.Ala304Thr) results in a non-conservative amino acid change located in the Acyl-CoA dehydrogenase/oxidase, C-terminal domain (IPR009075) of the encoded protein sequence. Five of five in-silico tools predict a damaging effect of the variant on protein function. The variant allele was found at a frequency of 4e-06 in 250444 control chromosomes. c.910G>A has been reported in the literature in individuals affected with Glutaric Acidemia Type 1 (e.g. Busquets_2000, Martin-Rivada_2022, Schuurmans_2023). These data indicate that the variant may be associated with disease. To our knowledge, no experimental evidence demonstrating an impact on protein function has been reported. The following publications have been ascertained in the context of this evaluation (PMID: 10960496, 35281663, 37020324). ClinVar contains an entry for this variant (Variation ID: 554907). Based on the evidence outlined above, the variant was classified as VUS-possibly pathogenic.

Baylor Genetics
Classification: Likely pathogenic for Glutaric aciduria, type 1. Last evaluated: 2023-09-16. Review status: criteria provided, single submitter. Criteria: ACMG Guidelines, 2015. Collection method: clinical testing. Allele origin: unknown.

Labcorp Genetics (formerly Invitae), Labcorp
Classification: Uncertain significance for Glutaric aciduria, type 1. Last evaluated: 2020-02-11. Review status: criteria provided, single submitter. Criteria: Invitae Variant Classification Sherloc (09022015). Collection method: clinical testing. Allele origin: germline.
Comment: In summary, the available evidence is currently insufficient to determine the role of this variant in disease. Therefore, it has been classified as a Variant of Uncertain Significance. This variant has been observed in combination with another GCDH variant in an individual affected with glutaric acidemia, type I (PMID: 10960496). ClinVar contains an entry for this variant (Variation ID: 554907). This sequence change replaces alanine with threonine at codon 304 of the GCDH protein (p.Ala304Thr). The alanine residue is highly conserved and there is a small physicochemical difference between alanine and threonine. This variant is present in population databases (rs373203481, ExAC 0.01%). Algorithms developed to predict the effect of missense changes on protein structure and function (SIFT, PolyPhen-2, Align-GVGD) all suggest that this variant is likely to be disruptive, but these predictions have not been confirmed by published functional studies and their clinical significance is uncertain.

Counsyl
Classification: Uncertain significance for Glutaric aciduria, type 1. Last evaluated: 2017-11-08. Review status: no assertion criteria provided. Collection method: clinical testing. Allele origin: unknown. Not counted in ClinVar's aggregate classification.

Literature cited by the submitters: PubMed 10960496 (cited by 3 submitters); PubMed 35281663 (cited by Women's Health and Genetics/Laboratory Corporation of America, LabCorp); PubMed 37020324 (cited by Women's Health and Genetics/Laboratory Corporation of America, LabCorp).